The following is an entry in ClinVar:

NM_001005242.3(PKP2):c.620C>T (p.Thr207Ile)

Gene: PKP2 (plakophilin 2; minus strand). Cytogenetic location: 12p11.21.
Variant type: single nucleotide variant.
Coding change: c.620C>T on transcript NM_001005242.3 (MANE Select); coding-DNA position 620, C replaced by T.
Protein change: p.Thr207Ile; replaces threonine 207 with isoleucine.
Molecular consequence: missense variant.
Genome position (GRCh38, 1-based): chr12:32,878,260, G>A on the plus strand (C>T on the coding strand, the complement: PKP2 is on the minus strand). VCF-style: chr12-32878260-G-A. GRCh37 (hg19) VCF-style: chr12-33031194-G-A.
Other names: c.620C>T, p.Thr207Ile (NM_001407155.1, NM_001407156.1, NM_001407157.1 and 2 more transcripts); c.293C>T, p.Thr98Ile (NM_001407158.1, NM_001407159.1, NM_001407160.1 and 1 more transcripts); short protein forms T207I, T98I.
Identifiers: ClinVar variation 3893746 (VCV003893746.1).
Genomic context (GRCh38, chr12:32,878,260, plus strand): 5'-CTAACAGAGCCATGCTGGTACTGTCTGTGGTATGTGTCAAAGTGGCGCTGCCTGCTTGTG[G>A]TGCCAGCACGGCTGACCCCCACGATCTCGGAACGAGCATATCTCGGTGGCACTAGGAGGG-3'
Protein context (NP_001005242.2, residues 197-217): SEIVGVSRAG[Thr207Ile]TSRQRHFDTY

ClinVar aggregate classification (germline): Uncertain significance (1 of 4 stars; one submission).

Conditions:
Cardiomyopathy (CMYO). Also called: Cardiomyopathies. Identifiers: Orphanet 167848, MedGen C0878544, MONDO:0004994, HP:0001638. Inheritance: Various modes of inheritance.

Submission:

Color Diagnostics, LLC DBA Color Health
Classification: Uncertain significance for Cardiomyopathy. Last evaluated: 2024-04-07. Review status: criteria provided, single submitter. Criteria: ACMG Guidelines, 2015. Collection method: clinical testing. Allele origin: germline.
Comment: This missense variant replaces threonine with isoleucine at codon 207 of the PKP2 protein. Computational prediction suggests that this variant may not impact protein structure and function (internally defined REVEL score threshold <= 0.5, PMID: 27666373). To our knowledge, functional studies have not been reported for this variant. This variant has not been reported in individuals affected with PKP2-related disorders in the literature. This variant has not been identified in the general population by the Genome Aggregation Database (gnomAD). The available evidence is insufficient to determine the role of this variant in disease conclusively. Therefore, this variant is classified as a Variant of Uncertain Significance.